The following is an entry in ClinVar:

ClinVar aggregate classification (germline): Uncertain significance (1 of 4 stars; one submission).

Submission:

Labcorp Genetics (formerly Invitae), Labcorp
Classification: Uncertain significance. Last evaluated: 2022-03-19. Review status: criteria provided, single submitter. Criteria: Invitae Variant Classification Sherloc (09022015). Collection method: clinical testing. Allele origin: germline.
Comment: This sequence change replaces asparagine, which is neutral and polar, with histidine, which is basic and polar, at codon 42 of the OSBPL2 protein (p.Asn42His). This variant is not present in population databases (gnomAD no frequency). In summary, the available evidence is currently insufficient to determine the role of this variant in disease. Therefore, it has been classified as a Variant of Uncertain Significance. Algorithms developed to predict the effect of missense changes on protein structure and function (SIFT, PolyPhen-2, Align-GVGD) all suggest that this variant is likely to be tolerated. This variant has not been reported in the literature in individuals affected with OSBPL2-related conditions.

NM_144498.4(OSBPL2):c.124A>C (p.Asn42His)

Gene: OSBPL2 (oxysterol binding protein like 2; plus strand). Cytogenetic location: 20q13.33.
Variant type: single nucleotide variant.
Coding change: c.124A>C on transcript NM_144498.4 (MANE Select); coding-DNA position 124, A replaced by C.
Protein change: p.Asn42His; replaces asparagine 42 with histidine.
Molecular consequence: missense variant. On other transcripts: 5 prime UTR variant (1), intron variant (1).
Genome position (GRCh38, 1-based): chr20:62,260,067, A>C. VCF-style: chr20-62260067-A-C. GRCh37 (hg19) VCF-style: chr20-60835123-A-C.
Other names: c.-243A>C (NM_001363878.2); c.88A>C, p.Asn30His (NM_014835.5); c.-184-3549A>C (NM_001278649.3); short protein forms N42H, N30H.
Identifiers: ClinVar variation 2114261 (VCV002114261.4), dbSNP rs1485924137, ClinGen allele CA409533278.